The following is an entry in ClinVar:

NM_153603.4(COG7):c.422C>T (p.Thr141Ile)

Gene: COG7 (component of oligomeric golgi complex 7; minus strand). Cytogenetic location: 16p12.2.
Variant type: single nucleotide variant.
Coding change: c.422C>T on transcript NM_153603.4 (MANE Select); coding-DNA position 422, C replaced by T.
Protein change: p.Thr141Ile; replaces threonine 141 with isoleucine.
Molecular consequence: missense variant.
Genome position (GRCh38, 1-based): chr16:23,445,061, G>A on the plus strand (C>T on the coding strand, the complement: COG7 is on the minus strand). VCF-style: chr16-23445061-G-A. GRCh37 (hg19) VCF-style: chr16-23456382-G-A.
Other names: short protein forms T141I.
Identifiers: ClinVar variation 2042983 (VCV002042983.3), dbSNP rs201316574, ClinGen allele CA7961310.

ClinVar aggregate classification (germline): Uncertain significance (1 of 4 stars; one submission).

Conditions:
COG7 congenital disorder of glycosylation (CDG2E). Also called: CONGENITAL DISORDER OF GLYCOSYLATION, TYPE IIe; CDG IIe. Identifiers: Orphanet 79333, MedGen C2931010, MONDO:0012118, OMIM 608779.

Allele frequency attached by ClinVar (database versions not stated): TOPMed 0.00001; gnomAD 0.00002; ExAC 0.00003; gnomAD exomes 0.00006; ESP Exome Variant Server 0.00008.

Submission:

Labcorp Genetics (formerly Invitae), Labcorp
Classification: Uncertain significance for COG7 congenital disorder of glycosylation. Last evaluated: 2026-01-21. Review status: criteria provided, single submitter. Criteria: Invitae Variant Classification Sherloc (09022015). Collection method: clinical testing. Allele origin: germline.
Comment: This sequence change replaces threonine, which is neutral and polar, with isoleucine, which is neutral and non-polar, at codon 141 of the COG7 protein (p.Thr141Ile). This variant is present in population databases (rs201316574, gnomAD 0.005%). This variant has not been reported in the literature in individuals affected with COG7-related conditions. ClinVar contains an entry for this variant (Variation ID: 2042983). Invitae Evidence Modeling of protein sequence and biophysical properties (such as structural, functional, and spatial information, amino acid conservation, physicochemical variation, residue mobility, and thermodynamic stability) indicates that this missense variant is not expected to disrupt COG7 protein function with a negative predictive value of 80%. In summary, the available evidence is currently insufficient to determine the role of this variant in disease. Therefore, it has been classified as a Variant of Uncertain Significance.